The following is an entry in ClinVar:

NM_001371623.1(TCOF1):c.2065C>A (p.Pro689Thr)

Gene: TCOF1 (treacle ribosome biogenesis factor 1; plus strand). Cytogenetic location: 5q32.
Variant type: single nucleotide variant.
Coding change: c.2065C>A on transcript NM_001371623.1 (MANE Select); coding-DNA position 2065, C replaced by A.
Protein change: p.Pro689Thr; replaces proline 689 with threonine.
Molecular consequence: missense variant.
Genome position (GRCh38, 1-based): chr5:150,376,253, C>A. VCF-style: chr5-150376253-C-A. GRCh37 (hg19) VCF-style: chr5-149755816-C-A.
Other names: c.1834C>A, p.Pro612Thr (NM_000356.4, NM_001135245.2); c.2065C>A, p.Pro689Thr (NM_001008657.3, NM_001135243.2, NM_001135244.2 and 1 more transcripts); short protein forms P612T, P689T.
Identifiers: ClinVar variation 3777619 (VCV003777619.1).

ClinVar aggregate classification (germline): Uncertain significance (1 of 4 stars; one submission).

Submission:

GeneDx
Classification: Uncertain significance. Last evaluated: 2024-10-14. Review status: criteria provided, single submitter. Criteria: GeneDx Variant Classification Process June 2021. Collection method: clinical testing. Allele origin: germline. Affected: yes.
Comment: Not observed at significant frequency in large population cohorts (gnomAD); In silico analysis supports that this missense variant has a deleterious effect on protein structure/function; Has not been previously published as pathogenic or benign to our knowledge